The following is an entry in ClinVar:

ClinVar aggregate classification (germline): Pathogenic. Review status: criteria provided, multiple submitters, no conflicts (2 of 4 stars). 2 submissions from 2 submitters: Pathogenic (2). Last evaluated 2024-03-11.

Conditions:
Autosomal recessive primary microcephaly. Identifiers: Orphanet 2512, MedGen C3711387, MONDO:0016660.

Submissions (2):

Women's Health and Genetics/Laboratory Corporation of America, LabCorp
Classification: Pathogenic for Autosomal recessive primary microcephaly. Last evaluated: 2024-03-11. Review status: criteria provided, single submitter. Criteria: LabCorp Variant Classification Summary - May 2015. Collection method: clinical testing. Allele origin: germline.
Comment: Variant summary: MCPH1 c.595C>T (p.Gln199X) results in a premature termination codon, predicted to cause a truncation of the encoded protein or absence of the protein due to nonsense mediated decay, which are commonly known mechanisms for disease. The variant was absent in 249380 control chromosomes (gnomAD). To our knowledge, no occurrence of c.595C>T in individuals affected with Primary microcephaly and no experimental evidence demonstrating its impact on protein function have been reported. ClinVar contains an entry for this variant (Variation ID: 2826934). Based on the evidence outlined above, the variant was classified as pathogenic.

Labcorp Genetics (formerly Invitae), Labcorp
Classification: Pathogenic. Last evaluated: 2023-01-16. Review status: criteria provided, single submitter. Criteria: Invitae Variant Classification Sherloc (09022015). Collection method: clinical testing. Allele origin: germline.
Comment: This sequence change creates a premature translational stop signal (p.Gln199*) in the MCPH1 gene. It is expected to result in an absent or disrupted protein product. Loss-of-function variants in MCPH1 are known to be pathogenic (PMID: 20978018). This variant is not present in population databases (gnomAD no frequency). This variant has not been reported in the literature in individuals affected with MCPH1-related conditions. Algorithms developed to predict the effect of sequence changes on RNA splicing suggest that this variant may disrupt the consensus splice site. For these reasons, this variant has been classified as Pathogenic.

Literature cited by the submitters: PubMed 20978018 (cited by Labcorp Genetics (formerly Invitae), Labcorp).

NM_024596.5(MCPH1):c.595C>T (p.Gln199Ter)

Gene: MCPH1 (microcephalin 1; plus strand). Cytogenetic location: 8p23.1.
Variant type: single nucleotide variant.
Coding change: c.595C>T on transcript NM_024596.5 (MANE Select); coding-DNA position 595, C replaced by T.
Protein change: p.Gln199Ter; replaces glutamine 199 with a stop codon.
Molecular consequence: nonsense. On other transcripts: non-coding transcript variant (1).
Genome position (GRCh38, 1-based): chr8:6,442,081, C>T. VCF-style: chr8-6442081-C-T. GRCh37 (hg19) VCF-style: chr8-6299602-C-T.
Other names: c.595C>T, p.Gln199Ter (NM_001363980.2, NM_001410916.1, NM_001410917.1 and 3 more transcripts); c.451C>T, p.Gln151Ter (NM_001172575.2); c.589C>T, p.Gln197Ter (NM_001322043.2); c.493C>T, p.Gln165Ter (NM_001322045.2); short protein forms Q151*, Q165*, Q197*, Q199*.
Identifiers: ClinVar variation 2826934 (VCV002826934.6), dbSNP rs1803597889, ClinGen allele CA370218911.